The following is an entry in ClinVar:

ClinVar aggregate classification (germline): Benign. Review status: criteria provided, multiple submitters, no conflicts (2 of 4 stars). 3 submissions from 3 submitters: Benign (3). Last evaluated 2026-02-01.

Allele frequency attached by ClinVar (database versions not stated): gnomAD exomes 0.00177 and 0.00429; ExAC 0.00440; ESP Exome Variant Server 0.00477; gnomAD 0.00604 and 0.00642; TOPMed 0.00673; 1000 Genomes Project 30x 0.01530; 1000 Genomes Project 0.01558.
gnomAD v4.1: 3,698 of 1,612,328 alleles (0.23%); highest among the groups gnomAD compares: East Asian, 4.1%; 48 homozygotes.

Submissions (3):

Labcorp Genetics (formerly Invitae), Labcorp
Classification: Benign. Last evaluated: 2026-02-01. Review status: criteria provided, single submitter. Criteria: Invitae Variant Classification Sherloc (09022015). Collection method: clinical testing. Allele origin: germline.

GeneDx
Classification: Benign. Last evaluated: 2017-03-03. Review status: criteria provided, single submitter. Criteria: GeneDx Variant Classification (06012015). Collection method: clinical testing. Allele origin: germline. Affected: yes.
Comment: This variant is considered likely benign or benign based on one or more of the following criteria: it is a conservative change, it occurs at a poorly conserved position in the protein, it is predicted to be benign by multiple in silico algorithms, and/or has population frequency not consistent with disease.

Breakthrough Genomics
Classification: Benign. Review status: criteria provided, single submitter. Criteria: ACMG Guidelines, 2015. Collection method: not provided. Allele origin: germline. Inheritance: Autosomal recessive inheritance. Affected: yes.

NM_021100.5(NFS1):c.1136+11C>T

Gene: NFS1 (NFS1 cysteine desulfurase; minus strand). Cytogenetic location: 20q11.22.
Variant type: single nucleotide variant.
Coding change: c.1136+11C>T on transcript NM_021100.5 (MANE Select); 11 bases into the intron after coding-DNA position 1136, C replaced by T.
Molecular consequence: intron variant.
Genome position (GRCh38, 1-based): chr20:35,674,339, G>A on the plus strand (C>T on the coding strand, the complement: NFS1 is on the minus strand). VCF-style: chr20-35674339-G-A. GRCh37 (hg19) VCF-style: chr20-34262261-G-A.
Other names: c.983+11C>T (NM_001198989.2).
Identifiers: ClinVar variation 506319 (VCV000506319.10), dbSNP rs61612241, ClinGen allele CA9837052.
Genomic context (GRCh38, chr20:35,674,339, plus strand): 5'-GGAAGTTTAATAGCCTGTATGACTCTTCTAAGTGGCCCTGCCGCAGGCCCTGTCTATGCC[G>A]TCCAGCTCACCTCCCTGAGGATAAGGCAACGTCCTTCAGTGCCATCAGCAGACTTTCCCC-3'